The following is an entry in ClinVar:

NM_001375.3(DNASE2):c.156G>C (p.Lys52Asn)

Genes: DNASE2 (deoxyribonuclease 2, lysosomal; minus strand), LOC117125588 (CRISPRi-FlowFISH-validated KLF1 regulatory element 1; plus strand). Cytogenetic location: 19p13.13.
Variant type: single nucleotide variant.
Coding change: c.156G>C on transcript NM_001375.3 (MANE Select); coding-DNA position 156, G replaced by C.
Protein change: p.Lys52Asn; replaces lysine 52 with asparagine.
Molecular consequence: missense variant.
Genome position (GRCh38, 1-based): chr19:12,881,083, C>G on the plus strand (G>C on the coding strand, the complement: DNASE2 is on the minus strand). VCF-style: chr19-12881083-C-G. GRCh37 (hg19) VCF-style: chr19-12991897-C-G.
Other names: short protein forms K52N.
Identifiers: ClinVar variation 1471461 (VCV001471461.8), dbSNP rs1970374682, ClinGen allele CA404303513.

ClinVar aggregate classification (germline): Uncertain significance (1 of 4 stars; one submission).

Allele frequency attached by ClinVar (database versions not stated): gnomAD exomes below 0.00001; TOPMed below 0.00001.
gnomAD v4.1: 3 of 1,612,592 alleles (0.00019%); highest among the groups gnomAD compares: Non-Finnish European, 0.00025%; no homozygotes.

Submission:

Labcorp Genetics (formerly Invitae), Labcorp
Classification: Uncertain significance. Last evaluated: 2021-03-23. Review status: criteria provided, single submitter. Criteria: Invitae Variant Classification Sherloc (09022015). Collection method: clinical testing. Allele origin: germline.
Comment: In summary, the available evidence is currently insufficient to determine the role of this variant in disease. Therefore, it has been classified as a Variant of Uncertain Significance. Algorithms developed to predict the effect of missense changes on protein structure and function are either unavailable or do not agree on the potential impact of this missense change (SIFT: "Deleterious"; PolyPhen-2: "Possibly Damaging"; Align-GVGD: "Class C0"). This variant has not been reported in the literature in individuals with DNASE2-related conditions. This variant is not present in population databases (ExAC no frequency). This sequence change replaces lysine with asparagine at codon 52 of the DNASE2 protein (p.Lys52Asn). The lysine residue is moderately conserved and there is a moderate physicochemical difference between lysine and asparagine.